The following is an entry in ClinVar:

ClinVar aggregate classification (germline): Likely benign (1 of 4 stars; one submission).

Submission:

GeneDx
Classification: Likely benign. Last evaluated: 2018-04-13. Review status: criteria provided, single submitter. Criteria: GeneDx Variant Classification (06012015). Collection method: clinical testing. Allele origin: germline. Affected: yes.
Comment: This variant is considered likely benign or benign based on one or more of the following criteria: it is a conservative change, it occurs at a poorly conserved position in the protein, it is predicted to be benign by multiple in silico algorithms, and/or has population frequency not consistent with disease.

NM_024301.5(FKRP):c.375T>C (p.Phe125=)

Gene: FKRP (fukutin related protein; plus strand). Cytogenetic location: 19q13.32.
Variant type: single nucleotide variant.
Coding change: c.375T>C on transcript NM_024301.5 (MANE Select); coding-DNA position 375, T replaced by C.
Protein change: p.Phe125=; no amino-acid change (phenylalanine 125 retained).
Molecular consequence: synonymous variant.
Genome position (GRCh38, 1-based): chr19:46,755,825, T>C. VCF-style: chr19-46755825-T-C. GRCh37 (hg19) VCF-style: chr19-47259082-T-C.
Other names: c.375T>C, p.Phe125= (NM_001039885.3).
Identifiers: ClinVar variation 681982 (VCV000681982.1), dbSNP rs1599934927, ClinGen allele CA507975532.